The following is an entry in ClinVar:

ClinVar aggregate classification (germline): Likely benign (1 of 4 stars; one submission).

gnomAD v4.1: 84 of 1,611,490 alleles (0.0052%); highest among the groups gnomAD compares: Non-Finnish European, 0.0069%; no homozygotes.

Submission:

CeGaT Center for Human Genetics Tuebingen
Classification: Likely benign. Last evaluated: 2024-09-01. Review status: criteria provided, single submitter. Criteria: CeGaT Center For Human Genetics Tuebingen Variant Classification Criteria Version 2. Collection method: clinical testing. Allele origin: germline. Affected: yes. Observed: 1 variant allele.
Comment: SLC45A1: BP4, BP7

NM_001080397.3(SLC45A1):c.928C>T (p.Leu310=)

Gene: SLC45A1 (solute carrier family 45 member 1; plus strand). Cytogenetic location: 1p36.23.
Variant type: single nucleotide variant.
Coding change: c.928C>T on transcript NM_001080397.3 (MANE Select); coding-DNA position 928, C replaced by T.
Protein change: p.Leu310=; no amino-acid change (leucine 310 retained).
Molecular consequence: synonymous variant.
Genome position (GRCh38, 1-based): chr1:8,330,421, C>T. VCF-style: chr1-8330421-C-T. GRCh37 (hg19) VCF-style: chr1-8390481-C-T.
Other names: c.928C>T, p.Leu310= (NM_001379614.1); c.835C>T, p.Leu279= (NM_001379615.1, NM_001379616.1); c.322C>T, p.Leu108= (NM_001379617.1, NM_001379618.1).
Identifiers: ClinVar variation 3389319 (VCV003389319.14).